The following is an entry in ClinVar:

ClinVar aggregate classification (germline): Likely benign. Review status: criteria provided, multiple submitters, no conflicts (2 of 4 stars). 3 submissions from 3 submitters: Likely benign (2). 1 of the submissions does not count toward it. Last evaluated 2025-11-27.

Conditions:
RHOBTB2-related disorder. Also called: RHOBTB2-related condition.

Allele frequency attached by ClinVar (database versions not stated): 1000 Genomes Project 30x 0.00016; gnomAD exomes 0.00016; 1000 Genomes Project 0.00020; ExAC 0.00020; gnomAD 0.00050 and 0.00056; ESP Exome Variant Server 0.00054; TOPMed 0.00060.
gnomAD v4.1: 142 of 1,614,066 alleles (0.0088%); highest among the groups gnomAD compares: African/African-American, 0.18%; no homozygotes.

Submissions (3):

Labcorp Genetics (formerly Invitae), Labcorp
Classification: Likely benign. Last evaluated: 2025-11-27. Review status: criteria provided, single submitter. Criteria: Invitae Variant Classification Sherloc (09022015). Collection method: clinical testing. Allele origin: germline.

Blueprint Genetics
Classification: Likely benign. Last evaluated: 2023-05-09. Review status: criteria provided, single submitter. Criteria: ACMG Guidelines, 2015. Collection method: clinical testing. Allele origin: germline.

PreventionGenetics, part of Exact Sciences
Classification: Likely benign for RHOBTB2-related condition. Last evaluated: 2019-08-13. Review status: no assertion criteria provided. Collection method: clinical testing. Allele origin: germline. Not counted in ClinVar's aggregate classification.
Comment: This variant is classified as likely benign based on ACMG/AMP sequence variant interpretation guidelines (Richards et al. 2015 PMID: 25741868, with internal and published modifications).

NM_015178.3(RHOBTB2):c.1130G>C (p.Gly377Ala)

Gene: RHOBTB2 (Rho related BTB domain containing 2; plus strand). Cytogenetic location: 8p21.3.
Variant type: single nucleotide variant.
Coding change: c.1130G>C on transcript NM_015178.3 (MANE Select); coding-DNA position 1130, G replaced by C.
Protein change: p.Gly377Ala; replaces glycine 377 with alanine.
Molecular consequence: missense variant.
Genome position (GRCh38, 1-based): chr8:23,007,375, G>C. VCF-style: chr8-23007375-G-C. GRCh37 (hg19) VCF-style: chr8-22864888-G-C.
Other names: c.1196G>C (NM_001160036.1); c.1196G>C, p.Gly399Ala (NM_001160036.2); c.1151G>C, p.Gly384Ala (NM_001160037.2); c.1130G>C, p.Gly377Ala (NM_001374791.1); short protein forms G377A, G384A, G399A.
Identifiers: ClinVar variation 1650329 (VCV001650329.11), dbSNP rs61732771, ClinGen allele CA4672615.
Genomic context (GRCh38, chr8:23,007,375, plus strand): 5'-CCGGTCCTGCTGGCCTCCGTGCTTCCACCAGCGACGGGATCTTACGGGGCAACGGAACAG[G>C]GTACCTACCGGGCAGGGGTCGTGTGCTGTCTTCCTGGAGCCGAGCTTTTGTGAGCATCCA-3'
Protein context (NP_055993.2, residues 367-387): SDGILRGNGT[Gly377Ala]YLPGRGRVLS